The following is an entry in ClinVar:

ClinVar aggregate classification (germline): Likely benign (1 of 4 stars; one submission).

Submission:

CeGaT Center for Human Genetics Tuebingen
Classification: Likely benign. Last evaluated: 2026-04-01. Review status: criteria provided, single submitter. Criteria: CeGaT Center For Human Genetics Tuebingen Variant Classification Criteria Version 2. Collection method: clinical testing. Allele origin: germline. Affected: yes. Observed: 4 variant alleles.
Comment: OR4F21: BP4, BP7

NM_001005504.1(OR4F21):c.186A>C (p.Leu62=)

Gene: OR4F21 (olfactory receptor family 4 subfamily F member 21; minus strand). Cytogenetic location: 8p23.3.
Variant type: single nucleotide variant.
Coding change: c.186A>C on transcript NM_001005504.1 (MANE Select); coding-DNA position 186, A replaced by C.
Protein change: p.Leu62=; no amino-acid change (leucine 62 retained).
Molecular consequence: synonymous variant.
Genome position (GRCh38, 1-based): chr8:166,839, T>G on the plus strand (A>C on the coding strand, the complement: OR4F21 is on the minus strand). VCF-style: chr8-166839-T-G. GRCh37 (hg19) VCF-style: chr8-116839-T-G.
Identifiers: ClinVar variation 2658287 (VCV002658287.24), dbSNP rs781778927, ClinGen allele CA459145939.